The following is an entry in ClinVar:

NM_000426.4(LAMA2):c.5446-11A>G

Gene: LAMA2 (laminin subunit alpha 2; plus strand). Cytogenetic location: 6q22.33.
Variant type: single nucleotide variant.
Coding change: c.5446-11A>G on transcript NM_000426.4 (MANE Select); 11 bases into the intron before coding-DNA position 5446, A replaced by G.
Molecular consequence: intron variant.
Genome position (GRCh38, 1-based): chr6:129,401,213, A>G. VCF-style: chr6-129401213-A-G. GRCh37 (hg19) VCF-style: chr6-129722358-A-G.
Other names: c.5446-11A>G (NM_001079823.2).
Identifiers: ClinVar variation 4707139 (VCV004707139.1).

ClinVar aggregate classification (germline): Uncertain significance (1 of 4 stars; one submission).

Conditions:
LAMA2-related muscular dystrophy (LAMA2-RD). Also called: Laminin alpha 2-related dystrophy. Identifiers: MedGen C5679788, MONDO:0100228.

gnomAD v4.1: 3 of 1,508,770 alleles (0.0002%); highest among the groups gnomAD compares: Admixed American, 0.0033%; no homozygotes.

Submission:

Labcorp Genetics (formerly Invitae), Labcorp
Classification: Uncertain significance for LAMA2-related muscular dystrophy. Last evaluated: 2026-01-12. Review status: criteria provided, single submitter. Criteria: Invitae Variant Classification Sherloc (09022015). Collection method: clinical testing. Allele origin: germline.
Comment: This sequence change falls in intron 37 of the LAMA2 gene. It does not directly change the encoded amino acid sequence of the LAMA2 protein. This variant is present in population databases (no rsID available, gnomAD 0.006%). This variant has not been reported in the literature in individuals affected with LAMA2-related conditions. Algorithms developed to predict the effect of sequence changes on RNA splicing suggest that this variant may disrupt the consensus splice site. In summary, the available evidence is currently insufficient to determine the role of this variant in disease. Therefore, it has been classified as a Variant of Uncertain Significance.